The following is an entry in ClinVar:

NM_001039958.2(MESP2):c.*326C>T

Gene: MESP2 (mesoderm posterior bHLH transcription factor 2; plus strand). Cytogenetic location: 15q26.1.
Variant type: single nucleotide variant.
Coding change: c.*326C>T on transcript NM_001039958.2 (MANE Select); 326 bases downstream of the stop codon, C replaced by T.
Molecular consequence: 3 prime UTR variant.
Genome position (GRCh38, 1-based): chr15:89,778,660, C>T. VCF-style: chr15-89778660-C-T. GRCh37 (hg19) VCF-style: chr15-90321891-C-T.
Identifiers: ClinVar variation 317401 (VCV000317401.5), dbSNP rs76163582, ClinGen allele CA10646697.

ClinVar aggregate classification (germline): Likely benign (1 of 4 stars; one submission).

Conditions:
Spondylocostal dysostosis 2, autosomal recessive (SCDO2). Also called: MESP2-Related Spondylocostal Dysostosis, Autosomal Recessive; Spondylocostal dysostosis type 2. Identifiers: Orphanet 2311, MedGen C1837549, MONDO:0012097, OMIM 608681.

Allele frequency attached by ClinVar (database versions not stated): gnomAD exomes 0.00242; gnomAD 0.01552 and 0.01683; 1000 Genomes Project 0.01577; 1000 Genomes Project 30x 0.01624; TOPMed 0.01802.
gnomAD v4.1: 2,854 of 363,720 alleles (0.78%); highest among the groups gnomAD compares: African/African-American, 5.5%; 70 homozygotes.

Submission:

Illumina Laboratory Services, Illumina
Classification: Likely benign for Spondylocostal dysostosis 2, autosomal recessive. Last evaluated: 2017-04-27. Review status: criteria provided, single submitter. Criteria: ICSL Variant Classification Criteria 13 December 2019. Collection method: clinical testing. Allele origin: germline.
Comment: This variant was observed as part of a predisposition screen in an ostensibly healthy population. A literature search was performed for the gene, cDNA change, and amino acid change (where applicable). No publications were found based on this search. Allele frequency data from public databases allowed determination this variant is unlikely to cause disease. Therefore, this variant is classified as likely benign.